The following is an entry in ClinVar:

NM_000722.4(CACNA2D1):c.2967-15A>G

Gene: CACNA2D1 (calcium voltage-gated channel auxiliary subunit alpha2delta 1; minus strand). Cytogenetic location: 7q21.11.
Variant type: single nucleotide variant.
Coding change: c.2967-15A>G on transcript NM_000722.4 (MANE Select); 15 bases into the intron before coding-DNA position 2967, A replaced by G.
Molecular consequence: intron variant.
Genome position (GRCh38, 1-based): chr7:81,959,844, T>C on the plus strand (A>G on the coding strand, the complement: CACNA2D1 is on the minus strand). VCF-style: chr7-81959844-T-C. GRCh37 (hg19) VCF-style: chr7-81589160-T-C.
Other names: c.2967-15A>G (LRG_437t1); c.3003-15A>G (NM_001366867.1).
Identifiers: ClinVar variation 514868 (VCV000514868.8), dbSNP rs750119271, ClinGen allele CA4317422.
Genomic context (GRCh38, chr7:81,959,844, plus strand): 5'-TATGAATATTAAGTTGGTGTTCATAAGCTTTTCTCCATGAAAGATTCTGCAAAATAAATA[T>C]GGTATCATAGAAAATGAGTATCTTTTCCAAAATAAATGGAAATCTTTCAAAGATTCTTAC-3'

ClinVar aggregate classification (germline): Likely benign. Review status: criteria provided, multiple submitters, no conflicts (2 of 4 stars). 2 submissions from 2 submitters: Likely benign (2). Last evaluated 2025-12-19.

Conditions:
Brugada syndrome. Also called: Sudden unexpected nocturnal death syndrome; Sudden unexplained nocturnal death syndrome; Sudden Unexplained Death Syndrome; Sudden Unexplained Nocturnal Death Syndrome (SUNDS). Identifiers: Orphanet 130, MedGen C1142166, MONDO:0015263.

Allele frequency attached by ClinVar (database versions not stated): gnomAD 0.00005; TOPMed 0.00008; gnomAD exomes 0.00009; ExAC 0.00010.
gnomAD v4.1: 69 of 1,609,386 alleles (0.0043%); highest among the groups gnomAD compares: Admixed American, 0.025%; no homozygotes.

Submissions (2):

Labcorp Genetics (formerly Invitae), Labcorp
Classification: Likely benign for Brugada syndrome. Last evaluated: 2025-12-19. Review status: criteria provided, single submitter. Criteria: Invitae Variant Classification Sherloc (09022015). Collection method: clinical testing. Allele origin: germline.

GeneDx
Classification: Likely benign. Last evaluated: 2018-01-29. Review status: criteria provided, single submitter. Criteria: GeneDx Variant Classification (06012015). Collection method: clinical testing. Allele origin: germline. Affected: yes.
Comment: This variant is considered likely benign or benign based on one or more of the following criteria: it is a conservative change, it occurs at a poorly conserved position in the protein, it is predicted to be benign by multiple in silico algorithms, and/or has population frequency not consistent with disease.